The following is an entry in ClinVar:

NM_003036.4(SKI):c.225C>G (p.His75Gln)

Gene: SKI (SKI proto-oncogene; plus strand). Cytogenetic location: 1p36.33.
Variant type: single nucleotide variant.
Coding change: c.225C>G on transcript NM_003036.4 (MANE Select); coding-DNA position 225, C replaced by G.
Protein change: p.His75Gln; replaces histidine 75 with glutamine.
Molecular consequence: missense variant.
Genome position (GRCh38, 1-based): chr1:2,228,991, C>G. VCF-style: chr1-2228991-C-G. GRCh37 (hg19) VCF-style: chr1-2160430-C-G.
Other names: short protein forms H75Q.
Identifiers: ClinVar variation 3368581 (VCV003368581.1).
Genomic context (GRCh38, chr1:2,228,991, plus strand): 5'-GGGCGCGGCCGCGGTGCCGGCGCCGGTGCCCGCAGCCACCGAGCCGCCGCCCGTGCTGCA[C>G]CTGCCCGCCATCCAGCCGCCGCCGCCCGTGCTGCCCGGGCCCTTCTTCATGCCGTCCGAC-3'
Protein context (NP_003027.1, residues 65-85): PAATEPPPVL[His75Gln]LPAIQPPPPV

ClinVar aggregate classification (germline): Uncertain significance (1 of 4 stars; one submission).

Submission:

GeneDx
Classification: Uncertain significance. Last evaluated: 2024-01-30. Review status: criteria provided, single submitter. Criteria: GeneDx Variant Classification Process June 2021. Collection method: clinical testing. Allele origin: germline. Affected: yes.
Comment: Has not been previously published as pathogenic or benign to our knowledge; Not observed at significant frequency in large population cohorts (gnomAD); In silico analysis supports that this missense variant does not alter protein structure/function